The following is an entry in ClinVar:

NM_012401.4(PLXNB2):c.5109T>C (p.His1703=)

Gene: PLXNB2 (plexin B2; minus strand). Cytogenetic location: 22q13.33.
Variant type: single nucleotide variant.
Coding change: c.5109T>C on transcript NM_012401.4 (MANE Select); coding-DNA position 5109, T replaced by C.
Protein change: p.His1703=; no amino-acid change (histidine 1703 retained).
Molecular consequence: synonymous variant.
Genome position (GRCh38, 1-based): chr22:50,277,678, A>G on the plus strand (T>C on the coding strand, the complement: PLXNB2 is on the minus strand). VCF-style: chr22-50277678-A-G. GRCh37 (hg19) VCF-style: chr22-50716107-A-G.
Other names: c.5346T>C, p.His1782= (NM_001376864.1); c.5178T>C, p.His1726= (NM_001376865.1); c.5109T>C, p.His1703= (NM_001376866.1, NM_001376867.1, NM_001376868.1 and 14 more transcripts); c.5085T>C, p.His1695= (NM_001376883.1); c.5031T>C, p.His1677= (NM_001376884.1, NM_001376885.1); c.5016T>C, p.His1672= (NM_001376886.1).
Identifiers: ClinVar variation 4534339 (VCV004534339.6).

ClinVar aggregate classification (germline): Likely benign (1 of 4 stars; one submission).

gnomAD v4.1: 154 of 1,608,754 alleles (0.0096%); highest among the groups gnomAD compares: Admixed American, 0.22%; 1 homozygote.

Submission:

CeGaT Center for Human Genetics Tuebingen
Classification: Likely benign. Last evaluated: 2026-08-01. Review status: criteria provided, single submitter. Criteria: CeGaT Center For Human Genetics Tuebingen Variant Classification Criteria Version 2. Collection method: clinical testing. Allele origin: germline. Affected: yes. Observed: 3 variant alleles.
Comment: PLXNB2: BP4, BP7